The following is an entry in ClinVar:

NM_001018113.3(FANCB):c.910A>G (p.Ile304Val)

Gene: FANCB (FA complementation group B; minus strand). Cytogenetic location: Xp22.2.
Variant type: single nucleotide variant.
Coding change: c.910A>G on transcript NM_001018113.3 (MANE Select); coding-DNA position 910, A replaced by G.
Protein change: p.Ile304Val; replaces isoleucine 304 with valine.
Molecular consequence: missense variant.
Genome position (GRCh38, 1-based): chrX:14,864,601, T>C on the plus strand (A>G on the coding strand, the complement: FANCB is on the minus strand). VCF-style: chrX-14864601-T-C. GRCh37 (hg19) VCF-style: chrX-14882723-T-C.
Other names: c.910A>G, p.Ile304Val (NM_001324162.2, NM_152633.4); short protein forms I304V.
Identifiers: ClinVar variation 1364951 (VCV001364951.8), dbSNP rs754238911, ClinGen allele CA10353157.
Genomic context (GRCh38, chrX:14,864,601, plus strand): 5'-ATTACAATAAGTGTTGTACCTGAAAGCTCTCTTTCCATACAGCACAAGCATTATTGGATA[T>C]AAAGGATACAACGAAAAAGAGGTTTCCTCCACCTGAATCCATAAGTTGAACTGCACAAGG-3'
Protein context (NP_001018123.1, residues 294-314): GGNLFFVVSF[Ile304Val]SNNACAVWKE

ClinVar aggregate classification (germline): Uncertain significance. Review status: criteria provided, multiple submitters, no conflicts (2 of 4 stars). 2 submissions from 2 submitters: Uncertain significance (2). Last evaluated 2024-02-06.

Conditions:
Fanconi anemia (FA). Also called: Fanconi's anemia. Identifiers: Orphanet 84, MedGen C0015625, MeSH D005199, MONDO:0019391.
Fanconi anemia complementation group B (FANCB). Also called: FANCONI PANCYTOPENIA, TYPE 2; FANCB-Related Fanconi Anemia. Identifiers: Orphanet 84, MedGen C1845292, MONDO:0010351, OMIM 300514.

Allele frequency attached by ClinVar (database versions not stated): gnomAD exomes below 0.00001 and 0.00001; ExAC 0.00001.
gnomAD v4.1: 2 of 1,204,014 alleles (0.00017%); highest among the groups gnomAD compares: Non-Finnish European, 0.00011%; no homozygotes.

Submissions (2):

Fulgent Genetics
Classification: Uncertain significance for Fanconi anemia complementation group B. Last evaluated: 2024-02-06. Review status: criteria provided, single submitter. Criteria: ACMG Guidelines, 2015. Collection method: clinical testing. Allele origin: germline.

Labcorp Genetics (formerly Invitae), Labcorp
Classification: Uncertain significance for Fanconi anemia. Last evaluated: 2021-07-28. Review status: criteria provided, single submitter. Criteria: Invitae Variant Classification Sherloc (09022015). Collection method: clinical testing. Allele origin: germline.
Comment: In summary, the available evidence is currently insufficient to determine the role of this variant in disease. Therefore, it has been classified as a Variant of Uncertain Significance. Algorithms developed to predict the effect of missense changes on protein structure and function (SIFT, PolyPhen-2, Align-GVGD) all suggest that this variant is likely to be tolerated. This variant has not been reported in the literature in individuals affected with FANCB-related conditions. This variant is present in population databases (rs754238911, ExAC 0.002%). This sequence change replaces isoleucine with valine at codon 304 of the FANCB protein (p.Ile304Val). The isoleucine residue is weakly conserved and there is a small physicochemical difference between isoleucine and valine.